The following is an entry in ClinVar:

ClinVar aggregate classification (germline): Pathogenic (1 of 4 stars; one submission).

Conditions:
Duchenne muscular dystrophy (DMD). Also called: MUSCULAR DYSTROPHY, PSEUDOHYPERTROPHIC PROGRESSIVE, DUCHENNE TYPE; Duchenne Muscular Dystrophy (DMD). Identifiers: Orphanet 98896, MedGen C0013264, MONDO:0010679, OMIM 310200.

Submission:

Labcorp Genetics (formerly Invitae), Labcorp
Classification: Pathogenic for Duchenne muscular dystrophy. Last evaluated: 2022-08-31. Review status: criteria provided, single submitter. Criteria: Invitae Variant Classification Sherloc (09022015). Collection method: clinical testing. Allele origin: unknown.
Comment: This variant results in the deletion of exons 22-38 and part of exon 39 (c.2803+1226_5452del) of the DMD gene. It is expected to disrupt RNA splicing. Variants that disrupt the donor or acceptor splice site typically lead to a loss of protein function (PMID: 16199547), and loss-of-function variants in DMD are known to be pathogenic (PMID: 16770791, 25007885). For these reasons, this variant has been classified as Pathogenic. The region of the DMD gene that includes exon(s) 35 has been determined to be clinically significant (PMID: 16770791, 17854090; Invitae). Therefore, deletions that encompass that region are likely to be disease-causing. This variant has not been reported in the literature in individuals affected with DMD-related conditions.

Literature cited by the submitters: PubMed 16199547; PubMed 16770791; PubMed 25007885; PubMed 17854090.

NC_000023.10:g.(?_32364194)_(32501810_?)del

Gene: DMD (dystrophin; minus strand). Cytogenetic location: Xp21.1.
Variant type: Deletion.
Identifiers: ClinVar variation 3243527 (VCV003243527.1).